The following is an entry in ClinVar:

NM_001034853.2(RPGR):c.1393C>G (p.Leu465Val)

Gene: RPGR (retinitis pigmentosa GTPase regulator; minus strand). Cytogenetic location: Xp11.4.
Variant type: single nucleotide variant.
Coding change: c.1393C>G on transcript NM_001034853.2 (MANE Select); coding-DNA position 1393, C replaced by G.
Protein change: p.Leu465Val; replaces leucine 465 with valine.
Molecular consequence: missense variant. On other transcripts: non-coding transcript variant (6).
Genome position (GRCh38, 1-based): chrX:38,297,305, G>C on the plus strand (C>G on the coding strand, the complement: RPGR is on the minus strand). VCF-style: chrX-38297305-G-C. GRCh37 (hg19) VCF-style: chrX-38156558-G-C.
Other names: c.1393C>G (NM_000328.2); c.1393C>G, p.Leu465Val (NM_000328.3, NM_001367247.1); c.1390C>G, p.Leu464Val (NM_001367245.1, NM_001367249.1, NM_001367250.1); c.1207C>G, p.Leu403Val (NM_001367246.1, NM_001367251.1); c.1423C>G, p.Leu475Val (NM_001367248.1); short protein forms L465V, L475V, L403V, L464V.
Identifiers: ClinVar variation 2140549 (VCV002140549.5), dbSNP rs1360745560, ClinGen allele CA412739379.

ClinVar aggregate classification (germline): Uncertain significance. Review status: criteria provided, multiple submitters, no conflicts (2 of 4 stars). 2 submissions from 2 submitters: Uncertain significance (2). Last evaluated 2025-06-08.

Conditions:
Primary ciliary dyskinesia. Also called: Ciliary dyskinesia. Identifiers: Orphanet 244, MedGen C0008780, MONDO:0016575, HP:0012265.

Allele frequency attached by ClinVar (database versions not stated): TOPMed 0.00001.
gnomAD v4.1: 2 of 1,210,586 alleles (0.00017%); highest among the groups gnomAD compares: Non-Finnish European, 0.00022%; no homozygotes.

Submissions (2):

Ambry Genetics
Classification: Uncertain significance for Primary ciliary dyskinesia. Last evaluated: 2025-06-08. Review status: criteria provided, single submitter. Criteria: Ambry Variant Classification Scheme 2023. Collection method: clinical testing. Allele origin: germline.

Labcorp Genetics (formerly Invitae), Labcorp
Classification: Uncertain significance for Primary ciliary dyskinesia. Last evaluated: 2022-02-24. Review status: criteria provided, single submitter. Criteria: Invitae Variant Classification Sherloc (09022015). Collection method: clinical testing. Allele origin: germline.
Comment: This variant is not present in population databases (gnomAD no frequency). This sequence change replaces leucine, which is neutral and non-polar, with valine, which is neutral and non-polar, at codon 465 of the RPGR protein (p.Leu465Val). This variant has not been reported in the literature in individuals affected with RPGR-related conditions. In summary, the available evidence is currently insufficient to determine the role of this variant in disease. Therefore, it has been classified as a Variant of Uncertain Significance. Algorithms developed to predict the effect of missense changes on protein structure and function (SIFT, PolyPhen-2, Align-GVGD) all suggest that this variant is likely to be tolerated.